The following is an entry in ClinVar:

ClinVar aggregate classification (germline): Uncertain significance (1 of 4 stars; one submission).

Conditions:
Cardiovascular phenotype. Identifiers: MedGen CN230736.

gnomAD v4.1: 2 of 1,608,776 alleles (0.00012%); highest among the groups gnomAD compares: Non-Finnish European, 0.00017%; no homozygotes.

Submission:

Ambry Genetics
Classification: Uncertain significance for Cardiovascular phenotype. Last evaluated: 2018-02-13. Review status: criteria provided, single submitter. Criteria: Ambry Variant Classification Scheme 2023. Collection method: clinical testing. Allele origin: germline.
Comment: The p.R35P variant (also known as c.104G>C), located in coding exon 2 of the KCNH2 gene, results from a G to C substitution at nucleotide position 104. The arginine at codon 35 is replaced by proline, an amino acid with dissimilar properties, and is located in the N-terminal cytoplasmic region of the protein. Another alteration affecting this amino acid (p.R35W) has been reported in association with long QT syndrome (Steffensen AB et al. Sci Rep. 2015 Jun;5:10009). This amino acid position is well conserved in available vertebrate species. In addition, this alteration is predicted to be deleterious by in silico analysis. Since supporting evidence is limited at this time, the clinical significance of this alteration remains unclear.

Literature cited by the submitters: PubMed 26066609.

NM_000238.4(KCNH2):c.104G>C (p.Arg35Pro)

Gene: KCNH2 (potassium voltage-gated channel subfamily H member 2; minus strand). Cytogenetic location: 7q36.1.
Variant type: single nucleotide variant.
Coding change: c.104G>C on transcript NM_000238.4 (MANE Select); coding-DNA position 104, G replaced by C.
Protein change: p.Arg35Pro; replaces arginine 35 with proline.
Molecular consequence: missense variant.
Genome position (GRCh38, 1-based): chr7:150,974,914, C>G on the plus strand (G>C on the coding strand, the complement: KCNH2 is on the minus strand). VCF-style: chr7-150974914-C-G. GRCh37 (hg19) VCF-style: chr7-150672002-C-G.
Other names: c.-74G>C (NM_001406755.1); c.104G>C, p.Arg35Pro (NM_172056.3); short protein forms R35P.
Identifiers: ClinVar variation 1776700 (VCV001776700.2), dbSNP rs1801941054, ClinGen allele CA369865955.
Genomic context (GRCh38, chr7:150,974,914, plus strand): 5'-GAGTAGCCGCACAGCTCGCAGAAGCCGTCGTTGCAGTAGATGACGGCGCAGTTCTCCACC[C>G]GAGCGTTGGCGATGATGAACTTACGGCCTAGGGGGGCGGGGAGGAGAGTGCGCGTGAGCG-3'
Protein context (NP_000229.1, residues 25-45): QSRKFIIANA[Arg35Pro]VENCAVIYCN